The following is an entry in ClinVar:

ClinVar aggregate classification (germline): Uncertain significance (1 of 4 stars; one submission).

Conditions:
Familial cancer of breast. Also called: BREAST CANCER, FAMILIAL; Hereditary breast cancer; hereditary breast carcinoma. Identifiers: Orphanet 227535, MedGen C0346153, MONDO:0016419, OMIM 114480. Disease mechanism: loss of function.

Submission:

Labcorp Genetics (formerly Invitae), Labcorp
Classification: Uncertain significance for Familial cancer of breast. Last evaluated: 2017-09-11. Review status: criteria provided, single submitter. Criteria: Invitae Variant Classification Sherloc (09022015). Collection method: clinical testing. Allele origin: germline.
Comment: This sequence change replaces glycine with arginine at codon 256 of the BARD1 protein (p.Gly256Arg). The glycine residue is moderately conserved and there is a moderate physicochemical difference between glycine and arginine. This variant is not present in population databases (ExAC no frequency). This variant has not been reported in the literature in individuals with BARD1-related disease. Algorithms developed to predict the effect of missense changes on protein structure and function output the following: SIFT: "Tolerated"; PolyPhen-2: "Benign"; Align-GVGD: "Class C0". The arginine amino acid residue is found in multiple mammalian species, suggesting that this missense change does not adversely affect protein function. These predictions have not been confirmed by published functional studies and their clinical significance is uncertain. In summary, the available evidence is currently insufficient to determine the role of this variant in disease. Therefore, it has been classified as a Variant of Uncertain Significance.

NM_000465.4(BARD1):c.766G>C (p.Gly256Arg)

Gene: BARD1 (BRCA1 associated RING domain 1; minus strand). Cytogenetic location: 2q35.
Variant type: single nucleotide variant.
Coding change: c.766G>C on transcript NM_000465.4 (MANE Select); coding-DNA position 766, G replaced by C.
Protein change: p.Gly256Arg; replaces glycine 256 with arginine.
Molecular consequence: missense variant. On other transcripts: non-coding transcript variant (2), intron variant (3).
Genome position (GRCh38, 1-based): chr2:214,781,108, C>G on the plus strand (G>C on the coding strand, the complement: BARD1 is on the minus strand). VCF-style: chr2-214781108-C-G. GRCh37 (hg19) VCF-style: chr2-215645832-C-G.
Other names: c.709G>C, p.Gly237Arg (NM_001282543.2); c.158+28304G>C (NM_001282548.2); c.215+15953G>C (NM_001282545.2); c.364+11189G>C (NM_001282549.2); short protein forms G256R, G237R.
Identifiers: ClinVar variation 530169 (VCV000530169.9), dbSNP rs1553622462, ClinGen allele CA350455941.
Genomic context (GRCh38, chr2:214,781,108, plus strand): 5'-TTAAACTTCCAAAACATTCAGATTCTGTCAAGGAGCCACTTGCTAGTAAGTCTATTTCAC[C>G]ATTTATCTGAGGACTGGAGATAACAGATGGTTGGCTACAGAAGGATACCAGCTTTTGCTT-3'
Protein context (NP_000456.2, residues 246-266): PSVISSPQIN[Gly256Arg]EIDLLASGSL